The following is an entry in ClinVar:

NM_000921.5(PDE3A):c.2467G>T (p.Ala823Ser)

Gene: PDE3A (phosphodiesterase 3A; plus strand). Cytogenetic location: 12p12.2.
Variant type: single nucleotide variant.
Coding change: c.2467G>T on transcript NM_000921.5 (MANE Select); coding-DNA position 2467, G replaced by T.
Protein change: p.Ala823Ser; replaces alanine 823 with serine.
Molecular consequence: missense variant.
Genome position (GRCh38, 1-based): chr12:20,646,852, G>T. VCF-style: chr12-20646852-G-T. GRCh37 (hg19) VCF-style: chr12-20799786-G-T.
Other names: c.1501G>T, p.Ala501Ser (NM_001244683.2, NM_001378409.1); c.2161G>T, p.Ala721Ser (NM_001378407.1); c.1504G>T, p.Ala502Ser (NM_001378408.1); short protein forms A501S, A502S, A721S, A823S.
Identifiers: ClinVar variation 3350076 (VCV003350076.2).

ClinVar aggregate classification (germline): Uncertain significance. Review status: criteria provided, single submitter (1 of 4 stars). 2 submissions from 2 submitters: Uncertain significance (1). 1 of the submissions does not count toward it. Last evaluated 2025-01-21.

Conditions:
PDE3A-related disorder. Also called: PDE3A-related condition.
Inborn genetic diseases. Identifiers: MedGen C0950123, MeSH D030342.

gnomAD v4.1: 3 of 1,613,222 alleles (0.00019%); highest among the groups gnomAD compares: African/African-American, 0.004%; no homozygotes.

Submissions (2):

Ambry Genetics
Classification: Uncertain significance for Inborn genetic diseases. Last evaluated: 2025-01-21. Review status: criteria provided, single submitter. Criteria: Ambry Variant Classification Scheme 2023. Collection method: clinical testing. Allele origin: germline.

PreventionGenetics, part of Exact Sciences
Classification: Uncertain significance for PDE3A-related condition. Last evaluated: 2024-03-19. Review status: no assertion criteria provided. Collection method: clinical testing. Allele origin: germline. Not counted in ClinVar's aggregate classification.
Comment: The PDE3A c.2467G>T variant is predicted to result in the amino acid substitution p.Ala823Ser. To our knowledge, this variant has not been reported in individuals with PDE3A-associated disorders in the literature or in a large population database, indicating this variant is rare. At this time, the clinical significance of this variant is uncertain due to the absence of conclusive functional and genetic evidence.